The following is an entry in ClinVar:

NM_006767.4(LZTR1):c.575G>A (p.Gly192Asp)

Gene: LZTR1 (leucine zipper like post translational regulator 1; plus strand). Cytogenetic location: 22q11.21.
Variant type: single nucleotide variant.
Coding change: c.575G>A on transcript NM_006767.4 (MANE Select); coding-DNA position 575, G replaced by A.
Protein change: p.Gly192Asp; replaces glycine 192 with aspartic acid.
Molecular consequence: missense variant.
Genome position (GRCh38, 1-based): chr22:20,988,854, G>A. VCF-style: chr22-20988854-G-A. GRCh37 (hg19) VCF-style: chr22-21343143-G-A.
Other names: c.575G>A (NM_006767.3); short protein forms G192D.
Identifiers: ClinVar variation 3008163 (VCV003008163.5), dbSNP rs2518614183, ClinGen allele CA410780213.

ClinVar aggregate classification (germline): Uncertain significance. Review status: criteria provided, multiple submitters, no conflicts (2 of 4 stars). 2 submissions from 2 submitters: Uncertain significance (2). Last evaluated 2026-01-31.

Submissions (2):

GeneDx
Classification: Uncertain significance. Last evaluated: 2026-01-31. Review status: criteria provided, single submitter. Criteria: GeneDx Variant Classification Process June 2021. Collection method: clinical testing. Allele origin: germline.
Comment: Not observed at significant frequency in large population cohorts (gnomAD); In silico analysis supports that this missense variant has a deleterious effect on protein structure/function; Has not been previously published as pathogenic or benign to our knowledge

Labcorp Genetics (formerly Invitae), Labcorp
Classification: Uncertain significance. Last evaluated: 2025-01-22. Review status: criteria provided, single submitter. Criteria: Invitae Variant Classification Sherloc (09022015). Collection method: clinical testing. Allele origin: germline.
Comment: This sequence change replaces glycine, which is neutral and non-polar, with aspartic acid, which is acidic and polar, at codon 192 of the LZTR1 protein (p.Gly192Asp). This variant is not present in population databases (gnomAD no frequency). This variant has not been reported in the literature in individuals affected with LZTR1-related conditions. ClinVar contains an entry for this variant (Variation ID: 3008163). Invitae Evidence Modeling of protein sequence and biophysical properties (such as structural, functional, and spatial information, amino acid conservation, physicochemical variation, residue mobility, and thermodynamic stability) indicates that this missense variant is not expected to disrupt LZTR1 protein function with a negative predictive value of 80%. In summary, the available evidence is currently insufficient to determine the role of this variant in disease. Therefore, it has been classified as a Variant of Uncertain Significance.